The following is an entry in ClinVar:

NM_002633.3(PGM1):c.1501G>A (p.Val501Ile)

Gene: PGM1 (phosphoglucomutase 1; plus strand). Cytogenetic location: 1p31.3.
Variant type: single nucleotide variant.
Coding change: c.1501G>A on transcript NM_002633.3 (MANE Select); coding-DNA position 1501, G replaced by A.
Protein change: p.Val501Ile; replaces valine 501 with isoleucine.
Molecular consequence: missense variant.
Genome position (GRCh38, 1-based): chr1:63,654,368, G>A. VCF-style: chr1-63654368-G-A. GRCh37 (hg19) VCF-style: chr1-64120039-G-A.
Other names: c.1555G>A, p.Val519Ile (NM_001172818.1); c.910G>A, p.Val304Ile (NM_001172819.2); short protein forms V501I, V304I, V519I.
Identifiers: ClinVar variation 297892 (VCV000297892.19), dbSNP rs6676290, ClinGen allele CA889873.

ClinVar aggregate classification (germline): Benign/Likely benign. Review status: criteria provided, multiple submitters, no conflicts (2 of 4 stars). 4 submissions from 4 submitters: Benign (2); Likely benign (1). 1 of the submissions does not count toward it. Last evaluated 2026-02-03.

Conditions:
PGM1-congenital disorder of glycosylation. Also called: CDG It; Congenital disorder of glycosylation type 1t; PHOSPHOGLUCOMUTASE 1 DEFICIENCY; PGM1 DEFICIENCY; GLYCOGEN STORAGE DISEASE XIV; GSD XIV. Identifiers: Orphanet 319646, MedGen C2752015, MONDO:0013968, OMIM 614921.

Allele frequency attached by ClinVar (database versions not stated): gnomAD exomes 0.00460; gnomAD 0.04686 and 0.04986; ESP Exome Variant Server 0.05005; TOPMed 0.05145; 1000 Genomes Project 0.05871; 1000 Genomes Project 30x 0.06309.
gnomAD v4.1: 14,131 of 1,613,858 alleles (0.88%); highest among the groups gnomAD compares: African/African-American, 16%; 1,051 homozygotes.

Submissions (4):

Labcorp Genetics (formerly Invitae), Labcorp
Classification: Benign for PGM1-congenital disorder of glycosylation. Last evaluated: 2026-02-03. Review status: criteria provided, single submitter. Criteria: Invitae Variant Classification Sherloc (09022015). Collection method: clinical testing. Allele origin: germline.

GeneDx
Classification: Benign. Last evaluated: 2016-03-04. Review status: criteria provided, single submitter. Criteria: GeneDx Variant Classification (06012015). Collection method: clinical testing. Allele origin: germline. Affected: yes.
Comment: This variant is considered likely benign or benign based on one or more of the following criteria: it is a conservative change, it occurs at a poorly conserved position in the protein, it is predicted to be benign by multiple in silico algorithms, and/or has population frequency not consistent with disease.

Breakthrough Genomics
Classification: Likely benign. Review status: criteria provided, single submitter. Criteria: ACMG Guidelines, 2015. Collection method: not provided. Allele origin: germline. Inheritance: Autosomal recessive inheritance. Affected: yes.

Mayo Clinic Laboratories, Mayo Clinic
Classification: Benign. Last evaluated: 2017-03-14. Review status: no assertion criteria provided. Collection method: clinical testing. Allele origin: unknown. Not counted in ClinVar's aggregate classification.